The following is an entry in ClinVar:

ClinVar aggregate classification (germline): Uncertain significance (1 of 4 stars; one submission).

Submission:

Labcorp Genetics (formerly Invitae), Labcorp
Classification: Uncertain significance. Last evaluated: 2021-10-27. Review status: criteria provided, single submitter. Criteria: Invitae Variant Classification Sherloc (09022015). Collection method: clinical testing. Allele origin: germline.
Comment: In summary, the available evidence is currently insufficient to determine the role of this variant in disease. Therefore, it has been classified as a Variant of Uncertain Significance. Algorithms developed to predict the effect of missense changes on protein structure and function are either unavailable or do not agree on the potential impact of this missense change (SIFT: "Deleterious"; PolyPhen-2: "Benign"; Align-GVGD: "Class C55"). This variant has not been reported in the literature in individuals affected with LTBP2-related conditions. This variant is not present in population databases (gnomAD no frequency). This sequence change replaces alanine, a(n) neutral and non-polar amino acid, with threonine, a(n) neutral and polar amino acid, at codon 103 of the LTBP2 protein (p.Ala103Thr).

NM_000428.3(LTBP2):c.307G>A (p.Ala103Thr)

Gene: LTBP2 (latent transforming growth factor beta binding protein 2; minus strand). Cytogenetic location: 14q24.3.
Variant type: single nucleotide variant.
Coding change: c.307G>A on transcript NM_000428.3 (MANE Select); coding-DNA position 307, G replaced by A.
Protein change: p.Ala103Thr; replaces alanine 103 with threonine.
Molecular consequence: missense variant.
Genome position (GRCh38, 1-based): chr14:74,611,638, C>T on the plus strand (G>A on the coding strand, the complement: LTBP2 is on the minus strand). VCF-style: chr14-74611638-C-T. GRCh37 (hg19) VCF-style: chr14-75078341-C-T.
Other names: short protein forms A103T.
Identifiers: ClinVar variation 1495052 (VCV001495052.6), dbSNP rs2139815711, ClinGen allele CA390388022.